The following is an entry in ClinVar:

ClinVar aggregate classification (germline): Uncertain significance (1 of 4 stars; one submission).

Submission:

Ambry Genetics
Classification: Uncertain significance. Last evaluated: 2025-07-28. Review status: criteria provided, single submitter. Criteria: Ambry Variant Classification Scheme 2023. Collection method: clinical testing. Allele origin: germline.
Comment: The p.Q301E variant (also known as c.901C>G), located in coding exon 4 of the GFI1 gene, results from a C to G substitution at nucleotide position 901. The glutamine at codon 301 is replaced by glutamic acid, an amino acid with highly similar properties. This amino acid position is conserved. In addition, this alteration is predicted to be tolerated by in silico analysis. Based on the available evidence, the clinical significance of this variant remains unclear.

NM_005263.5(GFI1):c.901C>G (p.Gln301Glu)

Gene: GFI1 (growth factor independent 1 transcriptional repressor; minus strand). Cytogenetic location: 1p22.1.
Variant type: single nucleotide variant.
Coding change: c.901C>G on transcript NM_005263.5 (MANE Select); coding-DNA position 901, C replaced by G.
Protein change: p.Gln301Glu; replaces glutamine 301 with glutamic acid.
Molecular consequence: missense variant.
Genome position (GRCh38, 1-based): chr1:92,480,371, G>C on the plus strand (C>G on the coding strand, the complement: GFI1 is on the minus strand). VCF-style: chr1-92480371-G-C. GRCh37 (hg19) VCF-style: chr1-92945928-G-C.
Other names: c.901C>G, p.Gln301Glu (NM_001127215.3, NM_001127216.3); short protein forms Q301E.
Identifiers: ClinVar variation 4263220 (VCV004263220.1).